The following is an entry in ClinVar:

ClinVar aggregate classification (germline): Uncertain significance (1 of 4 stars; one submission).

Submission:

GeneDx
Classification: Uncertain significance. Last evaluated: 2025-05-22. Review status: criteria provided, single submitter. Criteria: GeneDx Variant Classification Process June 2021. Collection method: clinical testing. Allele origin: germline. Affected: yes.
Comment: Not observed at significant frequency in large population cohorts (gnomAD); In silico analysis supports that this missense variant has a deleterious effect on protein structure/function; Has not been previously published as pathogenic or benign to our knowledge; Not located in the triple helical region, where the majority of pathogenic missense variants occur (HGMD)

NM_001844.5(COL2A1):c.3910C>A (p.Gln1304Lys)

Gene: COL2A1 (collagen type II alpha 1 chain; minus strand). Cytogenetic location: 12q13.11.
Variant type: single nucleotide variant.
Coding change: c.3910C>A on transcript NM_001844.5 (MANE Select); coding-DNA position 3910, C replaced by A.
Protein change: p.Gln1304Lys; replaces glutamine 1304 with lysine.
Molecular consequence: missense variant.
Genome position (GRCh38, 1-based): chr12:47,974,839, G>T on the plus strand (C>A on the coding strand, the complement: COL2A1 is on the minus strand). VCF-style: chr12-47974839-G-T. GRCh37 (hg19) VCF-style: chr12-48368622-G-T.
Other names: c.3703C>A, p.Gln1235Lys (NM_033150.3); short protein forms Q1235K, Q1304K.
Identifiers: ClinVar variation 4531139 (VCV004531139.1).